The following is an entry in ClinVar:

ClinVar aggregate classification (germline): Uncertain significance (1 of 4 stars; one submission).

Submission:

Labcorp Genetics (formerly Invitae), Labcorp
Classification: Uncertain significance. Last evaluated: 2021-01-14. Review status: criteria provided, single submitter. Criteria: Invitae Variant Classification Sherloc (09022015). Collection method: clinical testing. Allele origin: germline.
Comment: This sequence change replaces alanine with aspartic acid at codon 216 of the RP2 protein (p.Ala216Asp). The alanine residue is moderately conserved and there is a moderate physicochemical difference between alanine and aspartic acid. This variant is not present in population databases (ExAC no frequency). This variant has not been reported in the literature in individuals with RP2-related conditions. Algorithms developed to predict the effect of missense changes on protein structure and function (SIFT, PolyPhen-2, Align-GVGD) all suggest that this variant is likely to be tolerated, but these predictions have not been confirmed by published functional studies and their clinical significance is uncertain. In summary, the available evidence is currently insufficient to determine the role of this variant in disease. Therefore, it has been classified as a Variant of Uncertain Significance.

NM_006915.3(RP2):c.647C>A (p.Ala216Asp)

Gene: RP2 (RP2 activator of ARL3 GTPase; plus strand). Cytogenetic location: Xp11.3.
Variant type: single nucleotide variant.
Coding change: c.647C>A on transcript NM_006915.3 (MANE Select); coding-DNA position 647, C replaced by A.
Protein change: p.Ala216Asp; replaces alanine 216 with aspartic acid.
Molecular consequence: missense variant.
Genome position (GRCh38, 1-based): chrX:46,854,020, C>A. VCF-style: chrX-46854020-C-A. GRCh37 (hg19) VCF-style: chrX-46713455-C-A.
Other names: short protein forms A216D.
Identifiers: ClinVar variation 1036836 (VCV001036836.9), dbSNP rs1924912058, ClinGen allele CA413040404.
Genomic context (GRCh38, chrX:46,854,020, plus strand): 5'-AGGACTATGTTCCTATACCTACTACCGAAGAGCTCAAAGCTGTTCGTGTTTCCACAGAAG[C>A]CAATAGAAGCATTGTTCCAATATCCCGGGGTCAGAGACAGAAGAGCAGCGATGAATCATG-3'
Protein context (NP_008846.2, residues 206-226): ELKAVRVSTE[Ala216Asp]NRSIVPISRG